The following is an entry in ClinVar:

ClinVar aggregate classification (germline): Likely pathogenic (1 of 4 stars; one submission).

Submission:

GeneDx
Classification: Likely pathogenic. Last evaluated: 2016-02-19. Review status: criteria provided, single submitter. Criteria: GeneDx Variant Classification (06012015). Collection method: clinical testing. Allele origin: germline. Affected: yes.
Comment: The Y420C variant in the PKD1 gene has been reported previously as a pathogenic variant in an individual with clinical polycystic kidney disease. However, that individual also had a second pathogenic variant in the PKD1 gene and phase was not confirmed (Garcia-Gonzalez et al., 2007) . The Y420C variant was not observed in approximately 6400 individuals of European and African American ancestry in the NHLBI Exome Sequencing Project, indicating it is not a common benign variant in these populations. The Y420C variant is a non-conservative amino acid substitution, which is likely to impact secondary protein structure as these residues differ in polarity, charge, size and/or other properties. This substitution occurs at a position that is conserved across species. In silico analysis predicts this variant is probably damaging to the protein structure/function. Therefore, we interpret Y420C as a likely pathogenic variant.

NM_001009944.3(PKD1):c.1259A>G (p.Tyr420Cys)

Gene: PKD1 (polycystin 1, transient receptor potential channel interacting; minus strand). Cytogenetic location: 16p13.3.
Variant type: single nucleotide variant.
Coding change: c.1259A>G on transcript NM_001009944.3 (MANE Select); coding-DNA position 1259, A replaced by G.
Protein change: p.Tyr420Cys; replaces tyrosine 420 with cysteine.
Molecular consequence: missense variant.
Genome position (GRCh38, 1-based): chr16:2,117,615, T>C on the plus strand (A>G on the coding strand, the complement: PKD1 is on the minus strand). VCF-style: chr16-2117615-T-C. GRCh37 (hg19) VCF-style: chr16-2167616-T-C.
Other names: c.1259A>G, p.Tyr420Cys (NM_000296.4); short protein forms Y420C.
Identifiers: ClinVar variation 372708 (VCV000372708.1), dbSNP rs755878230, ClinGen allele CA16043007.